The following is an entry in ClinVar:

ClinVar aggregate classification (germline): Likely benign. Review status: criteria provided, multiple submitters, no conflicts (2 of 4 stars). 2 submissions from 2 submitters: Likely benign (2). Last evaluated 2026-09-24.

Conditions:
DST-related disorder. Also called: DST-related condition; DST-related disorders.
Epidermolysis bullosa simplex 3, localized or generalized intermediate, with BP230 deficiency (EBS3). Also called: Epidermolysis bullosa simplex, autosomal recessive 2; Epidermolysis bullosa simplex due to BP230 deficiency. Identifiers: Orphanet 412181, MedGen C3809470, MONDO:0014180, OMIM 615425.
Hereditary sensory and autonomic neuropathy type 6. Also called: Neuropathy, hereditary sensory and autonomic, type VI; HSAN VI. Identifiers: Orphanet 314381, MedGen C3539003, MONDO:0013839, OMIM 614653.

Allele frequency attached by ClinVar (database versions not stated): gnomAD exomes 0.00002 and 0.00005; TOPMed 0.00002; ExAC 0.00003; gnomAD 0.00005 and 0.00006; ESP Exome Variant Server 0.00017.
gnomAD v4.1: 82 of 1,600,024 alleles (0.0051%); highest among the groups gnomAD compares: Non-Finnish European, 0.0066%; no homozygotes.

Submissions (2):

PreventionGenetics, part of Exact Sciences
Classification: Likely benign for DST-related condition. Last evaluated: 2026-09-24. Review status: criteria provided, single submitter. Criteria: ACMG Guidelines, 2015. Collection method: clinical testing. Allele origin: germline.
Comment: This variant is classified as likely benign based on ACMG/AMP sequence variant interpretation guidelines (Richards et al. 2015 PMID: 25741868, with internal and published modifications).

Labcorp Genetics (formerly Invitae), Labcorp
Classification: Likely benign for Epidermolysis bullosa simplex 3, localized or generalized intermediate, with BP230 deficiency; Hereditary sensory and autonomic neuropathy type 6. Last evaluated: 2024-11-21. Review status: criteria provided, single submitter. Criteria: Invitae Variant Classification Sherloc (09022015). Collection method: clinical testing. Allele origin: germline.

NM_001374736.1(DST):c.11949G>A (p.Leu3983=)

Gene: DST (dystonin; minus strand). Cytogenetic location: 6p12.1.
Variant type: single nucleotide variant.
Coding change: c.11949G>A on transcript NM_001374736.1 (MANE Select); coding-DNA position 11949, G replaced by A.
Protein change: p.Leu3983=; no amino-acid change (leucine 3983 retained).
Molecular consequence: synonymous variant.
Genome position (GRCh38, 1-based): chr6:56,597,986, C>T on the plus strand (G>A on the coding strand, the complement: DST is on the minus strand). VCF-style: chr6-56597986-C-T. GRCh37 (hg19) VCF-style: chr6-56462784-C-T.
Other names: c.5592G>A, p.Leu1864= (NM_001144769.5); c.5178G>A, p.Leu1726= (NM_001144770.2); c.11949G>A, p.Leu3983= (NM_001374722.1); c.11316G>A, p.Leu3772= (NM_001374729.1); c.5058G>A, p.Leu1686= (NM_001374730.1, NM_001386100.1, NM_183380.4); c.11976G>A, p.Leu3992= (NM_001374734.1); c.4080G>A, p.Leu1360= (NM_015548.5); c.5592G>A (NM_001144769.2).
Identifiers: ClinVar variation 1106692 (VCV001106692.10), dbSNP rs375814327, ClinGen allele CA3868547.